The following continues an entry in ClinVar:

NM_007294.4(BRCA1):c.3841C>T (p.Gln1281Ter)

ClinVar aggregate classification (germline): Pathogenic. Pathogenic (1).

Submissions 16 to 18 of 18:

Department of Pathology and Laboratory Medicine, Sinai Health System
Classification: Pathogenic for Malignant tumor of breast. Review status: no assertion criteria provided. Collection method: clinical testing. Allele origin: unknown. Affected: yes. Study: The Canadian Open Genetics Repository (COGR). Not counted in ClinVar's aggregate classification.
Comment: The BRCA1 p.Gln1281X variant was identified in 31 of 48000 proband chromosomes (frequency: 0.001) from individuals or families with Hereditary breast and ovarian cancers in a French population (Caputo 2012). The variant was also identified in dbSNP (ID: rs80356866) as â€šÃ„ÃºWith Pathogenic alleleâ€šÃ„Ã¹; in the Clinvar and Clinvitae databases as â€šÃ„Ãºpathogenicâ€šÃ„Ã¹ by Evidence-based Network for the Interpretation of Germline Mutant Alleles, GeneDX, Consortium of Investigators of Modifiers of BRCA1/2 University of Cambridge, Ambry Genetics, Quest Diagnostics Nichols Institute San Juan Capistrano and Breast Cancer Information. The variant is further identified in the GeneInsight-COGR database as pathogenic by Womenâ€šÃ„Ã´s College Hospital, in COSMIC 1X as variant of unknown origin from a bladder carcinoma and in ARUP Laboratories BRCA Mutations Database as definitely pathogenic. The variant was not identified in LOVD-IARC, the BIC database and the Fanconi Anemia Mutation (LOVD), the Exome Aggregation Consortium (August 8, 2016) databases, the 1000 Genomes Project and the NHLBI GO Exome Sequencing Project. The variant occurs outside of the splicing consensus sequence and in silico or computational prediction software programs (SpliceSiteFinder, MaxEntScan, NNSPLICE, GeneSplicer, HumanSpliceFinder) do not predict a difference in splicing. The p.Gln1281X variant leads to a premature stop codon at position 1281, which is predicted to lead to a truncated or absent protein and loss of function. Loss of function variants of the BRCA1 gene are an established mechanism of disease in hereditary breast and ovarian cancer and is the type of variant expected to cause the disorder. In summary, based on the above information, this variant meets our laboratoryâ€šÃ„Ã´s criteria to be classified as pathogenic.

Diagnostic Laboratory, Department of Genetics, University Medical Center Groningen
Classification: Pathogenic. Review status: no assertion criteria provided. Collection method: clinical testing. Allele origin: germline. Affected: yes. Study: VKGL Data-share Consensus. Not counted in ClinVar's aggregate classification.

Joint Genome Diagnostic Labs from Nijmegen and Maastricht, Radboudumc and MUMC+
Classification: Pathogenic. Review status: no assertion criteria provided. Collection method: clinical testing. Allele origin: germline. Affected: yes. Study: VKGL Data-share Consensus. Not counted in ClinVar's aggregate classification.

Literature cited by the submitters: PubMed 10595255 (cited by Color Diagnostics, LLC DBA Color Health); PubMed 15026808 (cited by Color Diagnostics, LLC DBA Color Health and Quest Diagnostics Nichols Institute San Juan Capistrano); PubMed 20104584 (cited by Labcorp Genetics (formerly Invitae), Labcorp); PubMed 10923033 (cited by Labcorp Genetics (formerly Invitae), Labcorp); PubMed 22144684 (cited by Labcorp Genetics (formerly Invitae), Labcorp and Quest Diagnostics Nichols Institute San Juan Capistrano); PubMed 30430080 (cited by Quest Diagnostics Nichols Institute San Juan Capistrano); PubMed 30968603 (cited by Quest Diagnostics Nichols Institute San Juan Capistrano); PubMed 26295337 (cited by Quest Diagnostics Nichols Institute San Juan Capistrano); PubMed 36988593 (cited by Laboratory for Genotyping Development, RIKEN).